The following is an entry in ClinVar:

NM_012330.4(KAT6B):c.4190C>T (p.Thr1397Met)

Gene: KAT6B (lysine acetyltransferase 6B; plus strand). Cytogenetic location: 10q22.2.
Variant type: single nucleotide variant.
Coding change: c.4190C>T on transcript NM_012330.4 (MANE Select); coding-DNA position 4190, C replaced by T.
Protein change: p.Thr1397Met; replaces threonine 1397 with methionine.
Molecular consequence: missense variant.
Genome position (GRCh38, 1-based): chr10:75,029,014, C>T. VCF-style: chr10-75029014-C-T. GRCh37 (hg19) VCF-style: chr10-76788772-C-T.
Other names: c.3314C>T, p.Thr1105Met (NM_001370140.1, NM_001370141.1, NM_001370142.1 and 2 more transcripts); c.3125C>T, p.Thr1042Met (NM_001370143.1, NM_001370144.1); c.2501C>T, p.Thr834Met (NM_001370133.1); c.2105C>T, p.Thr702Met (NM_001370134.1); c.1847C>T, p.Thr616Met (NM_001370135.1); c.4190C>T, p.Thr1397Met (NM_001370136.1, NM_001370137.1); c.3641C>T, p.Thr1214Met (NM_001370138.1, NM_001256468.2); c.3152C>T, p.Thr1051Met (NM_001370132.1); short protein forms T1105M, T1397M, T702M, T1042M, T1051M, T616M, T1214M, T834M.
Identifiers: ClinVar variation 3645876 (VCV003645876.2).

ClinVar aggregate classification (germline): Uncertain significance (1 of 4 stars; one submission).

Conditions:
Genitopatellar syndrome (GTPTS). Also called: ABSENT PATELLAE, SCROTAL HYPOPLASIA, RENAL ANOMALIES, FACIAL DYSMORPHISM, AND MENTAL RETARDATION; Genitopatellar syndrome (GPS). Identifiers: Orphanet 85201, MedGen C1853566, MONDO:0011640, OMIM 606170.

gnomAD v4.1: 37 of 1,613,852 alleles (0.0023%); highest among the groups gnomAD compares: Non-Finnish European, 0.0028%; no homozygotes.

Submission:

Labcorp Genetics (formerly Invitae), Labcorp
Classification: Uncertain significance for Genitopatellar syndrome. Last evaluated: 2024-10-19. Review status: criteria provided, single submitter. Criteria: Invitae Variant Classification Sherloc (09022015). Collection method: clinical testing. Allele origin: germline.
Comment: This sequence change replaces threonine, which is neutral and polar, with methionine, which is neutral and non-polar, at codon 1397 of the KAT6B protein (p.Thr1397Met). The frequency data for this variant in the population databases is considered unreliable, as metrics indicate poor data quality at this position in the gnomAD database. This variant has not been reported in the literature in individuals affected with KAT6B-related conditions. Invitae Evidence Modeling of protein sequence and biophysical properties (such as structural, functional, and spatial information, amino acid conservation, physicochemical variation, residue mobility, and thermodynamic stability) indicates that this missense variant is not expected to disrupt KAT6B protein function with a negative predictive value of 80%. In summary, the available evidence is currently insufficient to determine the role of this variant in disease. Therefore, it has been classified as a Variant of Uncertain Significance.